The following is an entry in ClinVar:

NM_001290060.2(SEMA3B):c.-7T>C

Gene: SEMA3B (semaphorin 3B; plus strand). Cytogenetic location: 3p21.31.
Variant type: single nucleotide variant.
Coding change: c.-7T>C on transcript NM_001290060.2 (MANE Select); 7 bases upstream of the start codon, T replaced by C.
Molecular consequence: 5 prime UTR variant.
Genome position (GRCh38, 1-based): chr3:50,269,234, T>C. VCF-style: chr3-50269234-T-C. GRCh37 (hg19) VCF-style: chr3-50306666-T-C.
Other names: c.-7T>C (NM_001005914.3, NM_001290061.1, NM_001435956.1 and 3 more transcripts).
Identifiers: ClinVar variation 4983325 (VCV004983325.1).

ClinVar aggregate classification (germline): Likely benign (1 of 4 stars; one submission).

Conditions:
SEMA3B-related disorder. Also called: SEMA3B-related condition.

Submission:

PreventionGenetics, part of Exact Sciences
Classification: Likely benign for SEMA3B-related condition. Last evaluated: 2025-09-09. Review status: criteria provided, single submitter. Criteria: ACMG Guidelines, 2015. Collection method: clinical testing. Allele origin: germline.
Comment: This variant is classified as likely benign based on ACMG/AMP sequence variant interpretation guidelines (Richards et al. 2015 PMID: 25741868, with internal and published modifications).